The following is an entry in ClinVar:

NM_032119.4(ADGRV1):c.14662-3C>T

Gene: ADGRV1 (adhesion G protein-coupled receptor V1; plus strand). Cytogenetic location: 5q14.3.
Variant type: single nucleotide variant.
Coding change: c.14662-3C>T on transcript NM_032119.4 (MANE Select); 3 bases into the intron before coding-DNA position 14662, C replaced by T.
Molecular consequence: intron variant.
Genome position (GRCh38, 1-based): chr5:90,805,281, C>T. VCF-style: chr5-90805281-C-T. GRCh37 (hg19) VCF-style: chr5-90101098-C-T.
Other names: c.14662-3C>T (NM_032119.3).
Identifiers: ClinVar variation 1056803 (VCV001056803.6), dbSNP rs771648007, ClinGen allele CA3341788.

ClinVar aggregate classification (germline): Conflicting classifications of pathogenicity. Review status: criteria provided, conflicting classifications (1 of 4 stars). 3 submissions from 3 submitters: Uncertain significance (2); Likely benign (1). Last evaluated 2025-01-21.

Conditions:
ADGRV1-related disorder. Also called: ADGRV1-related condition; ADGRV1-related disorders.

Allele frequency attached by ClinVar (database versions not stated): ExAC 0.00001; gnomAD exomes 0.00001; TOPMed 0.00001; gnomAD 0.00004.
gnomAD v4.1: 22 of 1,606,600 alleles (0.0014%); highest among the groups gnomAD compares: East Asian, 0.0045%; no homozygotes.

Submissions (3):

PreventionGenetics, part of Exact Sciences
Classification: Likely benign for ADGRV1-related condition. Last evaluated: 2025-01-21. Review status: criteria provided, single submitter. Criteria: ACMG Guidelines, 2015. Collection method: clinical testing. Allele origin: germline.
Comment: This variant is classified as likely benign based on ACMG/AMP sequence variant interpretation guidelines (Richards et al. 2015 PMID: 25741868, with internal and published modifications).

Blueprint Genetics
Classification: Uncertain significance. Last evaluated: 2022-09-07. Review status: criteria provided, single submitter. Criteria: ACMG Guidelines, 2015. Collection method: clinical testing. Allele origin: germline.

Labcorp Genetics (formerly Invitae), Labcorp
Classification: Uncertain significance. Last evaluated: 2022-09-07. Review status: criteria provided, single submitter. Criteria: Invitae Variant Classification Sherloc (09022015). Collection method: clinical testing. Allele origin: germline.
Comment: This sequence change falls in intron 71 of the ADGRV1 gene. It does not directly change the encoded amino acid sequence of the ADGRV1 protein. It affects a nucleotide within the consensus splice site. This variant is present in population databases (rs771648007, gnomAD 0.005%). This variant has not been reported in the literature in individuals affected with ADGRV1-related conditions. ClinVar contains an entry for this variant (Variation ID: 1056803). Variants that disrupt the consensus splice site are a relatively common cause of aberrant splicing (PMID: 17576681, 9536098). Algorithms developed to predict the effect of sequence changes on RNA splicing suggest that this variant is not likely to affect RNA splicing. In summary, the available evidence is currently insufficient to determine the role of this variant in disease. Therefore, it has been classified as a Variant of Uncertain Significance.

Literature cited by the submitters: PubMed 17576681 (cited by Labcorp Genetics (formerly Invitae), Labcorp); PubMed 9536098 (cited by Labcorp Genetics (formerly Invitae), Labcorp).